The following is an entry in ClinVar:

NM_181332.3(NLGN4X):c.579C>T (p.Tyr193=)

Gene: NLGN4X (neuroligin 4 X-linked; minus strand). Cytogenetic location: Xp22.32.
Variant type: single nucleotide variant.
Coding change: c.579C>T on transcript NM_181332.3 (MANE Select); coding-DNA position 579, C replaced by T.
Protein change: p.Tyr193=; no amino-acid change (tyrosine 193 retained).
Molecular consequence: synonymous variant.
Genome position (GRCh38, 1-based): chrX:6,029,326, G>A on the plus strand (C>T on the coding strand, the complement: NLGN4X is on the minus strand). VCF-style: chrX-6029326-G-A. GRCh37 (hg19) VCF-style: chrX-5947367-G-A.
Other names: c.579C>T, p.Tyr193= (NM_001282145.2, NM_001282146.2, NM_020742.4); c.579C>T (NM_020742.3).
Identifiers: ClinVar variation 95986 (VCV000095986.7), dbSNP rs398124366, ClinGen allele CA223607.

ClinVar aggregate classification (germline): Uncertain significance. Review status: criteria provided, single submitter (1 of 4 stars). 2 submissions from 2 submitters: Uncertain significance (1). 1 of the submissions does not count toward it. Last evaluated 2013-07-15.

Conditions:
NLGN4X-related disorder. Also called: NLGN4X-related condition.

Allele frequency attached by ClinVar (database versions not stated): gnomAD 0.00002 and 0.00008; TOPMed 0.00004; 1000 Genomes Project 30x 0.00021; 1000 Genomes Project 0.00026; gnomAD exomes 0.00026 and 0.00040; ExAC 0.00039.
gnomAD v4.1: 296 of 1,209,162 alleles (0.024%); highest among the groups gnomAD compares: South Asian, 0.49%; 2 homozygotes.

Submissions (2):

Eurofins Ntd Llc (ga)
Classification: Uncertain significance. Last evaluated: 2013-07-15. Review status: criteria provided, single submitter. Criteria: EGL Classification Definitions 2015. Collection method: clinical testing. Allele origin: germline. Observed: 1 variant allele, 1 heterozygote.

PreventionGenetics, part of Exact Sciences
Classification: Likely benign for NLGN4X-related condition. Last evaluated: 2023-01-05. Review status: no assertion criteria provided. Collection method: clinical testing. Allele origin: germline. Not counted in ClinVar's aggregate classification.
Comment: This variant is classified as likely benign based on ACMG/AMP sequence variant interpretation guidelines (Richards et al. 2015 PMID: 25741868, with internal and published modifications).